The following is an entry in ClinVar:

NM_001165963.4(SCN1A):c.3175G>T (p.Asp1059Tyr)

Genes: SCN1A (sodium voltage-gated channel alpha subunit 1; minus strand), LOC102724058 (uncharacterized LOC102724058; plus strand). Cytogenetic location: 2q24.3.
Variant type: single nucleotide variant.
Coding change: c.3175G>T on transcript NM_001165963.4 (MANE Select); coding-DNA position 3175, G replaced by T.
Protein change: p.Asp1059Tyr; replaces aspartic acid 1059 with tyrosine.
Molecular consequence: missense variant. On other transcripts: non-coding transcript variant (2).
Genome position (GRCh38, 1-based): chr2:166,036,302, C>A on the plus strand (G>T on the coding strand, the complement: SCN1A is on the minus strand). VCF-style: chr2-166036302-C-A. GRCh37 (hg19) VCF-style: chr2-166892812-C-A.
Other names: c.3139G>T, p.Asp1047Tyr (NM_001353955.2, NM_001353954.2); c.3091G>T, p.Asp1031Tyr (NM_001353957.2, NM_001353958.2, NM_001165964.3); c.3088G>T, p.Asp1030Tyr (NM_001353960.2); c.733G>T, p.Asp245Tyr (NM_001353961.2); c.3142G>T, p.Asp1048Tyr (NM_006920.6, NM_001353949.2, NM_001353950.2 and 2 more transcripts); c.3175G>T (NM_001165963.1); c.3175G>T, p.Asp1059Tyr (NM_001202435.3, NM_001353948.2); short protein forms D1059Y, D1031Y, D1030Y, D1047Y, D245Y, D1048Y.
Identifiers: ClinVar variation 1517109 (VCV001517109.11), dbSNP rs1426284889, ClinGen allele CA349059670.
Genomic context (GRCh38, chr2:166,036,302, plus strand): 5'-CATCTTTAAGATAGTCAAGATCTTTCCCAATTTCTGCTGTATGATTGGACATACAACTGT[C>A]TTTCTTGTTGTTTAGATCATCAAGTGGTTTAATTTCATCTAAAATCTTTTGTTTCCTAAT-3'
Protein context (NP_001159435.1, residues 1049-1069): KPLDDLNNKK[Asp1059Tyr]SCMSNHTAEI

ClinVar aggregate classification (germline): Uncertain significance. Review status: criteria provided, multiple submitters, no conflicts (2 of 4 stars). 2 submissions from 2 submitters: Uncertain significance (2). Last evaluated 2025-01-01.

Conditions:
Early-infantile DEE. Also called: Early infantile epileptic encephalopathy with suppression bursts; Early infantile epileptic encephalopathy; Ohtahara syndrome. Identifiers: Orphanet 1934, MedGen C0393706, MONDO:0800491.

Allele frequency attached by ClinVar (database versions not stated): TOPMed below 0.00001; gnomAD 0.00001.

Submissions (2):

GeneDx
Classification: Uncertain significance. Last evaluated: 2025-01-01. Review status: criteria provided, single submitter. Criteria: GeneDx Variant Classification Process June 2021. Collection method: clinical testing. Allele origin: germline.
Comment: Not observed at significant frequency in large population cohorts (gnomAD); In silico analysis supports that this missense variant has a deleterious effect on protein structure/function; This substitution is predicted to be within the cytoplasmic loop between the second and third homologous domains; This variant is associated with the following publications: (PMID: 29314583)

Labcorp Genetics (formerly Invitae), Labcorp
Classification: Uncertain significance for Early-infantile DEE. Last evaluated: 2022-01-13. Review status: criteria provided, single submitter. Criteria: Invitae Variant Classification Sherloc (09022015). Collection method: clinical testing. Allele origin: germline.
Comment: In summary, the available evidence is currently insufficient to determine the role of this variant in disease. Therefore, it has been classified as a Variant of Uncertain Significance. Algorithms developed to predict the effect of missense changes on protein structure and function are either unavailable or do not agree on the potential impact of this missense change (SIFT: "Deleterious"; PolyPhen-2: "Possibly Damaging"; Align-GVGD: "Class C15"). This variant is also known as D1031Y. This missense change has been observed in individual(s) with clinical features of SCN1A-related conditions (PMID: 29314583; Invitae). This variant is not present in population databases (gnomAD no frequency). This sequence change replaces aspartic acid, which is acidic and polar, with tyrosine, which is neutral and polar, at codon 1059 of the SCN1A protein (p.Asp1059Tyr).

Literature cited by the submitters: PubMed 29314583 (cited by Labcorp Genetics (formerly Invitae), Labcorp).